The following is an entry in ClinVar:

NM_005862.3(STAG1):c.2526C>T (p.Asp842=)

Gene: STAG1 (STAG1 cohesin complex component; minus strand). Cytogenetic location: 3q22.3.
Variant type: single nucleotide variant.
Coding change: c.2526C>T on transcript NM_005862.3 (MANE Select); coding-DNA position 2526, C replaced by T.
Protein change: p.Asp842=; no amino-acid change (aspartic acid 842 retained).
Molecular consequence: synonymous variant.
Genome position (GRCh38, 1-based): chr3:136,369,127, G>A on the plus strand (C>T on the coding strand, the complement: STAG1 is on the minus strand). VCF-style: chr3-136369127-G-A. GRCh37 (hg19) VCF-style: chr3-136087969-G-A.
Other names: c.2526C>T (NM_005862.2).
Identifiers: ClinVar variation 2196528 (VCV002196528.6), dbSNP rs199613871, ClinGen allele CA2632572.

ClinVar aggregate classification (germline): Benign. Review status: criteria provided, single submitter (1 of 4 stars). 2 submissions from 2 submitters: Benign (1). 1 of the submissions does not count toward it. Last evaluated 2026-02-03.

Conditions:
STAG1-related disorder. Also called: STAG1-related disorders.

Allele frequency attached by ClinVar (database versions not stated): ESP Exome Variant Server 0.00015; 1000 Genomes Project 30x 0.00016; 1000 Genomes Project 0.00020; TOPMed 0.00020; gnomAD 0.00031; ExAC 0.00046.
gnomAD v4.1: 705 of 1,563,604 alleles (0.045%); highest among the groups gnomAD compares: Non-Finnish European, 0.049%; 1 homozygote.

Submissions (2):

Labcorp Genetics (formerly Invitae), Labcorp
Classification: Benign. Last evaluated: 2026-02-03. Review status: criteria provided, single submitter. Criteria: Invitae Variant Classification Sherloc (09022015). Collection method: clinical testing. Allele origin: germline.

PreventionGenetics, part of Exact Sciences
Classification: Likely benign for STAG1-related condition. Last evaluated: 2020-12-14. Review status: no assertion criteria provided. Collection method: clinical testing. Allele origin: germline. Not counted in ClinVar's aggregate classification.
Comment: This variant is classified as likely benign based on ACMG/AMP sequence variant interpretation guidelines (Richards et al. 2015 PMID: 25741868, with internal and published modifications).